The following is an entry in ClinVar:

ClinVar aggregate classification (germline): Conflicting classifications of pathogenicity. Review status: criteria provided, conflicting classifications (1 of 4 stars). 4 submissions from 4 submitters: Uncertain significance (1); Likely benign (2). 1 of the submissions does not count toward it. Last evaluated 2024-10-11.

Conditions:
OTOG-related disorder. Also called: OTOG-related condition.

Allele frequency attached by ClinVar (database versions not stated): 1000 Genomes Project 0.00020; 1000 Genomes Project 30x 0.00047; TOPMed 0.00053; ExAC 0.00066; gnomAD 0.00070; gnomAD exomes 0.00077.
gnomAD v4.1: 1,159 of 1,548,966 alleles (0.075%); highest among the groups gnomAD compares: South Asian, 0.12%; 1 homozygote.

Submissions (4):

Blueprint Genetics
Classification: Likely benign. Last evaluated: 2024-10-11. Review status: criteria provided, single submitter. Criteria: ACMG Guidelines, 2015. Collection method: clinical testing. Allele origin: germline.

Labcorp Genetics (formerly Invitae), Labcorp
Classification: Uncertain significance. Last evaluated: 2023-08-17. Review status: criteria provided, single submitter. Criteria: Invitae Variant Classification Sherloc (09022015). Collection method: clinical testing. Allele origin: germline.
Comment: In summary, the available evidence is currently insufficient to determine the role of this variant in disease. Therefore, it has been classified as a Variant of Uncertain Significance. Algorithms developed to predict the effect of missense changes on protein structure and function output the following: SIFT: "Not Available"; PolyPhen-2: "Benign"; Align-GVGD: "Not Available". The valine amino acid residue is found in multiple mammalian species, which suggests that this missense change does not adversely affect protein function. This sequence change replaces isoleucine, which is neutral and non-polar, with valine, which is neutral and non-polar, at codon 1089 of the OTOG protein (p.Ile1089Val). This variant is present in population databases (rs56359117, gnomAD 0.2%), and has an allele count higher than expected for a pathogenic variant. This variant has not been reported in the literature in individuals affected with OTOG-related conditions. ClinVar contains an entry for this variant (Variation ID: 517484).

Laboratory for Molecular Medicine, Mass General Brigham Personalized Medicine
Classification: Likely benign. Last evaluated: 2017-07-20. Review status: criteria provided, single submitter. Criteria: LMM Criteria. Collection method: clinical testing. Allele origin: germline. Observed: 1 variant allele.
Comment: p.Ile1089Val in exon 26 of OTOG: This variant is not expected to have clinical s ignificance due to a lack of conservation across species, including mammals. Of note, 7 mammals have a valine (Val) at this position despite high nearby amino a cid conservation. In addition, computational prediction tools do not suggest a h igh likelihood of impact to the protein. It has also been identified in 0.2% (16 /8400) of Ashkenazi Jewish chromosomes and 0.07% (125/173696) of total chromosom es by the Genome Aggregation Database (gnomAD; dbSNP rs56359117).

PreventionGenetics, part of Exact Sciences
Classification: Likely benign for OTOG-related condition. Last evaluated: 2022-12-01. Review status: no assertion criteria provided. Collection method: clinical testing. Allele origin: germline. Not counted in ClinVar's aggregate classification.
Comment: This variant is classified as likely benign based on ACMG/AMP sequence variant interpretation guidelines (Richards et al. 2015 PMID: 25741868, with internal and published modifications).

NM_001292063.2(OTOG):c.3229A>G (p.Ile1077Val)

Gene: OTOG (otogelin; plus strand). Cytogenetic location: 11p15.1.
Variant type: single nucleotide variant.
Coding change: c.3229A>G on transcript NM_001292063.2 (MANE Select); coding-DNA position 3229, A replaced by G.
Protein change: p.Ile1077Val; replaces isoleucine 1077 with valine.
Molecular consequence: missense variant.
Genome position (GRCh38, 1-based): chr11:17,593,697, A>G. VCF-style: chr11-17593697-A-G. GRCh37 (hg19) VCF-style: chr11-17615244-A-G.
Other names: c.3265A>G, p.Ile1089Val (NM_001277269.2); short protein forms I1089V, I1077V.
Identifiers: ClinVar variation 517484 (VCV000517484.12), dbSNP rs56359117, ClinGen allele CA5905710.
Genomic context (GRCh38, chr11:17,593,697, plus strand): 5'-CAGGAGGTCCACACATGGCGAGTGGGATTTTTCACACTGGTGCATTTCCCACAGGAGCAC[A>G]TCACCCTCTTGTGGGACCAGAGAACCACAGTGCACGTCCAGGCTGGGCCTCAGTGGCAGG-3'
Protein context (NP_001278992.1, residues 1067-1087): FTLVHFPQEH[Ile1077Val]TLLWDQRTTV